The following is an entry in ClinVar:

NM_020461.4(TUBGCP6):c.1615T>G (p.Trp539Gly)

Gene: TUBGCP6 (tubulin gamma complex component 6; minus strand). Cytogenetic location: 22q13.33.
Variant type: single nucleotide variant.
Coding change: c.1615T>G on transcript NM_020461.4 (MANE Select); coding-DNA position 1615, T replaced by G.
Protein change: p.Trp539Gly; replaces tryptophan 539 with glycine.
Molecular consequence: missense variant.
Genome position (GRCh38, 1-based): chr22:50,226,365, A>C on the plus strand (T>G on the coding strand, the complement: TUBGCP6 is on the minus strand). VCF-style: chr22-50226365-A-C. GRCh37 (hg19) VCF-style: chr22-50664794-A-C.
Other names: short protein forms W539G.
Identifiers: ClinVar variation 1519475 (VCV001519475.6), dbSNP rs962268848, ClinGen allele CA325466160.
Genomic context (GRCh38, chr22:50,226,365, plus strand): 5'-CGTGGTTCACCTGAATCATGAACTCGCCATAAGCGTCTCTGAACACCCCGCTGTACACCC[A>C]GTCGTGGATGAACCTGCAGTGGGGGAAAAGCAGGGGTAGATGTGGTCAACGGAGAGGTGG-3'
Protein context (NP_065194.3, residues 529-549): CEPYTRFIHD[Trp539Gly]VYSGVFRDAY

ClinVar aggregate classification (germline): Uncertain significance (1 of 4 stars; one submission).

Allele frequency attached by ClinVar (database versions not stated): gnomAD exomes below 0.00001; gnomAD 0.00001.
gnomAD v4.1: 2 of 1,609,250 alleles (0.00012%); highest among the groups gnomAD compares: African/African-American, 0.0027%; no homozygotes.

Submission:

Labcorp Genetics (formerly Invitae), Labcorp
Classification: Uncertain significance. Last evaluated: 2022-10-26. Review status: criteria provided, single submitter. Criteria: Invitae Variant Classification Sherloc (09022015). Collection method: clinical testing. Allele origin: germline.
Comment: In summary, the available evidence is currently insufficient to determine the role of this variant in disease. Therefore, it has been classified as a Variant of Uncertain Significance. Algorithms developed to predict the effect of missense changes on protein structure and function are either unavailable or do not agree on the potential impact of this missense change (SIFT: "Deleterious"; PolyPhen-2: "Probably Damaging"; Align-GVGD: "Class C0"). ClinVar contains an entry for this variant (Variation ID: 1519475). This variant has not been reported in the literature in individuals affected with TUBGCP6-related conditions. This variant is present in population databases (no rsID available, gnomAD 0.007%). This sequence change replaces tryptophan, which is neutral and slightly polar, with glycine, which is neutral and non-polar, at codon 539 of the TUBGCP6 protein (p.Trp539Gly).